The following is an entry in ClinVar:

ClinVar aggregate classification (germline): Uncertain significance (1 of 4 stars; one submission).

Conditions:
DYRK1A-related intellectual disability syndrome (MRD7). Also called: DYRK1A Syndrome; Intellectual developmental disorder, autosomal dominant 7. Identifiers: Orphanet 464306, MedGen C5568143, MONDO:0013578, OMIM 614104.

gnomAD v4.1: 1 of 1,614,156 alleles (0.000062%); highest among the groups gnomAD compares: African/African-American, 0.0013%; no homozygotes.

Submission:

Labcorp Genetics (formerly Invitae), Labcorp
Classification: Uncertain significance for DYRK1A-related intellectual disability syndrome. Last evaluated: 2024-08-08. Review status: criteria provided, single submitter. Criteria: Invitae Variant Classification Sherloc (09022015). Collection method: clinical testing. Allele origin: germline.
Comment: This sequence change replaces histidine, which is basic and polar, with proline, which is neutral and non-polar, at codon 582 of the DYRK1A protein (p.His582Pro). This variant is present in population databases (rs759964869, gnomAD 0.002%). This variant has not been reported in the literature in individuals affected with DYRK1A-related conditions. An algorithm developed to predict the effect of missense changes on protein structure and function (PolyPhen-2) suggests that this variant is likely to be tolerated. In summary, the available evidence is currently insufficient to determine the role of this variant in disease. Therefore, it has been classified as a Variant of Uncertain Significance.

NM_001347721.2(DYRK1A):c.1718A>C (p.His573Pro)

Gene: DYRK1A (dual specificity tyrosine phosphorylation regulated kinase 1A; plus strand). Cytogenetic location: 21q22.13.
Variant type: single nucleotide variant.
Coding change: c.1718A>C on transcript NM_001347721.2 (MANE Select); coding-DNA position 1718, A replaced by C.
Protein change: p.His573Pro; replaces histidine 573 with proline.
Molecular consequence: missense variant. On other transcripts: 3 prime UTR variant (2).
Genome position (GRCh38, 1-based): chr21:37,511,984, A>C. VCF-style: chr21-37511984-A-C. GRCh37 (hg19) VCF-style: chr21-38884287-A-C.
Other names: c.1718A>C, p.His573Pro (NM_001347722.2, NM_130436.2); c.1631A>C, p.His544Pro (NM_001347723.2); c.1745A>C, p.His582Pro (NM_001396.5); c.*121A>C (NM_101395.2); c.*30A>C (NM_130438.2); short protein forms H573P, H582P, H544P.
Identifiers: ClinVar variation 3718213 (VCV003718213.2).
Genomic context (GRCh38, chr21:37,511,984, plus strand): 5'-TTCCTGCTCCTCTTGGTTGGTCAGGCACTGAAGCTCCTACACAGGTCACTGTTGAAACTC[A>C]TCCTGTTCAAGAAACAACCTTTCATGTAGCCCCTCAACAGAATGCATTGCATCATCACCA-3'
Protein context (NP_001334650.1, residues 563-583): EAPTQVTVET[His573Pro]PVQETTFHVA